The following is an entry in ClinVar:

ClinVar aggregate classification (germline): Uncertain significance. Review status: criteria provided, multiple submitters, no conflicts (2 of 4 stars). 4 submissions from 3 submitters: Uncertain significance (4). Last evaluated 2024-09-09.

Conditions:
Retinitis pigmentosa 39 (RP39). Identifiers: Orphanet 791, MedGen C3151138, MONDO:0013436, OMIM 613809.
Usher syndrome type 2A. Also called: USHER SYNDROME, TYPE IIA; RETINAL DISEASE IN USHER SYNDROME TYPE IIA, MODIFIER OF. Identifiers: Orphanet 231178, Orphanet 886, MedGen C1848634, MONDO:0010169, OMIM 276901.

Allele frequency attached by ClinVar (database versions not stated): gnomAD exomes below 0.00001.
gnomAD v4.1: 1 of 1,613,510 alleles (0.000062%); highest among the groups gnomAD compares: Admixed American, 0.0017%; no homozygotes.

Submissions (4):

Labcorp Genetics (formerly Invitae), Labcorp
Classification: Uncertain significance. Last evaluated: 2024-09-09. Review status: criteria provided, single submitter. Criteria: Invitae Variant Classification Sherloc (09022015). Collection method: clinical testing. Allele origin: germline.
Comment: This sequence change replaces serine, which is neutral and polar, with threonine, which is neutral and polar, at codon 1377 of the USH2A protein (p.Ser1377Thr). This variant is not present in population databases (gnomAD no frequency). This variant has not been reported in the literature in individuals affected with USH2A-related conditions. ClinVar contains an entry for this variant (Variation ID: 1678222). Invitae Evidence Modeling of protein sequence and biophysical properties (such as structural, functional, and spatial information, amino acid conservation, physicochemical variation, residue mobility, and thermodynamic stability) indicates that this missense variant is not expected to disrupt USH2A protein function with a negative predictive value of 95%. In summary, the available evidence is currently insufficient to determine the role of this variant in disease. Therefore, it has been classified as a Variant of Uncertain Significance.

Genome-Nilou Lab
Classification: Uncertain significance for Retinitis pigmentosa 39. Last evaluated: 2023-11-04. Review status: criteria provided, single submitter. Criteria: ACMG Guidelines, 2015. Collection method: clinical testing. Allele origin: germline. Affected: no.

Genome-Nilou Lab
Classification: Uncertain significance for Usher syndrome type 2A. Last evaluated: 2023-11-04. Review status: criteria provided, single submitter. Criteria: ACMG Guidelines, 2015. Collection method: clinical testing. Allele origin: germline. Affected: no.

AiLife Diagnostics
Classification: Uncertain significance. Last evaluated: 2020-05-13. Review status: criteria provided, single submitter. Criteria: ACMG Guidelines, 2015. Collection method: clinical testing. Allele origin: germline. Affected: yes. Observed: 1 variant allele.

NM_206933.4(USH2A):c.4129T>A (p.Ser1377Thr)

Genes: USH2A (usherin; minus strand), USH2A-AS1 (USH2A antisense RNA 1; plus strand). Cytogenetic location: 1q41.
Variant type: single nucleotide variant.
Coding change: c.4129T>A on transcript NM_206933.4 (MANE Select); coding-DNA position 4129, T replaced by A.
Protein change: p.Ser1377Thr; replaces serine 1377 with threonine.
Molecular consequence: missense variant.
Genome position (GRCh38, 1-based): chr1:216,196,675, A>T on the plus strand (T>A on the coding strand, the complement: USH2A is on the minus strand). VCF-style: chr1-216196675-A-T. GRCh37 (hg19) VCF-style: chr1-216370017-A-T.
Other names: c.4129T>A, p.Ser1377Thr (NM_007123.6); short protein forms S1377T.
Identifiers: ClinVar variation 1678222 (VCV001678222.6), dbSNP rs2102460604, ClinGen allele CA344866589.
Genomic context (GRCh38, chr1:216,196,675, plus strand): 5'-ACCCCACAACTTTTCCTCTTGTAACATTATCTGCTGGCTTCTCCCAGGAGATATTGAGAG[A>T]GTACGAAGAGAGGGGAAAGACTGAAGGAGGGATCATGAATACAGGTGCTATCAATGAGAA-3'
Protein context (NP_996816.3, residues 1367-1387): PPSVFPLSSY[Ser1377Thr]LNISWEKPAD